The following is an entry in ClinVar:

NM_153603.4(COG7):c.668A>T (p.Tyr223Phe)

Gene: COG7 (component of oligomeric golgi complex 7; minus strand). Cytogenetic location: 16p12.2.
Variant type: single nucleotide variant.
Coding change: c.668A>T on transcript NM_153603.4 (MANE Select); coding-DNA position 668, A replaced by T.
Protein change: p.Tyr223Phe; replaces tyrosine 223 with phenylalanine.
Molecular consequence: missense variant.
Genome position (GRCh38, 1-based): chr16:23,434,655, T>A on the plus strand (A>T on the coding strand, the complement: COG7 is on the minus strand). VCF-style: chr16-23434655-T-A. GRCh37 (hg19) VCF-style: chr16-23445976-T-A.
Other names: c.668A>T (NM_153603.3); short protein forms Y223F.
Identifiers: ClinVar variation 2152852 (VCV002152852.3), dbSNP rs377542270, ClinGen allele CA7961238.

ClinVar aggregate classification (germline): Uncertain significance. Review status: criteria provided, multiple submitters, no conflicts (2 of 4 stars). 3 submissions from 3 submitters: Uncertain significance (3). Last evaluated 2025-11-25.

Conditions:
COG7-related disorder. Also called: COG7-related condition.
COG7 congenital disorder of glycosylation (CDG2E). Also called: CONGENITAL DISORDER OF GLYCOSYLATION, TYPE IIe; CDG IIe. Identifiers: Orphanet 79333, MedGen C2931010, MONDO:0012118, OMIM 608779.

Allele frequency attached by ClinVar (database versions not stated): gnomAD 0.00003; ExAC 0.00005; gnomAD exomes 0.00006.
gnomAD v4.1: 82 of 1,613,550 alleles (0.0051%); highest among the groups gnomAD compares: Non-Finnish European, 0.0067%; no homozygotes.

Submissions (3):

PreventionGenetics, part of Exact Sciences
Classification: Uncertain significance for COG7-related condition. Last evaluated: 2025-11-25. Review status: criteria provided, single submitter. Criteria: ACMG Guidelines, 2015. Collection method: clinical testing. Allele origin: germline.
Comment: The COG7 c.668A>T variant is predicted to result in the amino acid substitution p.Tyr223Phe. To our knowledge, this variant has not been reported in the literature. This variant is reported in 0.011% of alleles in individuals of European (Non-Finnish) descent in gnomAD. At this time, the clinical significance of this variant is uncertain due to the absence of conclusive functional and genetic evidence.

Fulgent Genetics
Classification: Uncertain significance for COG7 congenital disorder of glycosylation. Last evaluated: 2024-05-10. Review status: criteria provided, single submitter. Criteria: ACMG Guidelines, 2015. Collection method: clinical testing. Allele origin: germline.

Labcorp Genetics (formerly Invitae), Labcorp
Classification: Uncertain significance for COG7 congenital disorder of glycosylation. Last evaluated: 2022-03-12. Review status: criteria provided, single submitter. Criteria: Invitae Variant Classification Sherloc (09022015). Collection method: clinical testing. Allele origin: germline.
Comment: This sequence change replaces tyrosine, which is neutral and polar, with phenylalanine, which is neutral and non-polar, at codon 223 of the COG7 protein (p.Tyr223Phe). This variant is present in population databases (rs377542270, gnomAD 0.009%). This variant has not been reported in the literature in individuals affected with COG7-related conditions. Algorithms developed to predict the effect of missense changes on protein structure and function are either unavailable or do not agree on the potential impact of this missense change (SIFT: "Deleterious"; PolyPhen-2: "Possibly Damaging"; Align-GVGD: "Class C0"). In summary, the available evidence is currently insufficient to determine the role of this variant in disease. Therefore, it has been classified as a Variant of Uncertain Significance.